The following is an entry in ClinVar:

NM_003060.4(SLC22A5):c.474_476dup (p.Ile159dup)

Gene: SLC22A5 (solute carrier family 22 member 5; plus strand). Cytogenetic location: 5q31.1.
Variant type: Duplication.
Coding change: c.474_476dup on transcript NM_003060.4 (MANE Select); coding-DNA positions 474 to 476, 3 bases duplicated (CAT; older notation c.474_476dupCAT).
Protein change: p.Ile159dup; duplicates isoleucine 159.
Molecular consequence: inframe insertion.
Genome position (GRCh38, 1-based): chr5:132,378,458-132,378,460, CAT duplicated; duplicating any 3 consecutive bases within chr5:132,378,457-132,378,460 gives the same sequence; the c. name uses the placement nearest the transcript's 3' end. VCF-style (leftmost placement, unchanged base first): chr5-132378456-T-TTCA. GRCh37 (hg19) VCF-style: chr5-131714148-T-TTCA.
Other names: c.546_548dup, p.Ile183dup (NM_001308122.2).
Identifiers: ClinVar variation 1432816 (VCV001432816.3), dbSNP rs2126775790, ClinGen allele CA2514310856.

ClinVar aggregate classification (germline): Uncertain significance (1 of 4 stars; one submission).

Conditions:
Renal carnitine transport defect (CDSP). Also called: CARNITINE DEFICIENCY, SYSTEMIC, DUE TO DEFECT IN RENAL REABSORPTION OF CARNITINE; CARNITINE TRANSPORTER, PLASMA-MEMBRANE, DEFICIENCY OF; CARNITINE UPTAKE DEFECT; Carnitine transporter deficiency; Carnitine Deficiency, Systemic; Systemic primary carnitine deficiency. Identifiers: Orphanet 158, MedGen C0342788, MONDO:0008919, OMIM 212140.

Submission:

Labcorp Genetics (formerly Invitae), Labcorp
Classification: Uncertain significance for Renal carnitine transport defect. Last evaluated: 2021-10-10. Review status: criteria provided, single submitter. Criteria: Invitae Variant Classification Sherloc (09022015). Collection method: clinical testing. Allele origin: germline.
Comment: This variant, c.474_476dup, results in the insertion of 1 amino acid(s) to the SLC22A5 protein (p.Ile159dup), but otherwise preserves the integrity of the reading frame. This variant is not present in population databases (ExAC no frequency). This variant has not been reported in the literature in individuals affected with SLC22A5-related conditions. Experimental studies and prediction algorithms are not available or were not evaluated, and the functional significance of this variant is currently unknown. In summary, the available evidence is currently insufficient to determine the role of this variant in disease. Therefore, it has been classified as a Variant of Uncertain Significance.